The following is an entry in ClinVar:

ClinVar aggregate classification (germline): Likely benign. Review status: criteria provided, multiple submitters, no conflicts (2 of 4 stars). 8 submissions from 8 submitters: Likely benign (8). Last evaluated 2026-07-30.

Conditions:
PRKAG2-related disorder. Also called: PRKAG2-related condition; PRKAG2-related disorders.
Cardiovascular phenotype. Identifiers: MedGen CN230736.
Cardiomyopathy (CMYO). Also called: Cardiomyopathies. Identifiers: Orphanet 167848, MedGen C0878544, MONDO:0004994, HP:0001638. Inheritance: Various modes of inheritance.
Lethal congenital glycogen storage disease of heart. Also called: GLYCOGEN STORAGE DISEASE OF HEART; PHOSPHORYLASE KINASE DEFICIENCY OF HEART. Identifiers: Orphanet 439854, MedGen C1849813, MONDO:0009867, OMIM 261740.
Hypertrophic cardiomyopathy. Also called: HYPERTROPHIC MYOCARDIOPATHY. Identifiers: Orphanet 217569, MedGen C0007194, MeSH D002312, MONDO:0005045, HP:0001639.

Allele frequency attached by ClinVar (database versions not stated): TOPMed 0.00003; ExAC 0.00012; gnomAD 0.00015 and 0.00016; gnomAD exomes 0.00016 and 0.00019.
gnomAD v4.1: 253 of 1,614,010 alleles (0.016%); highest among the groups gnomAD compares: Non-Finnish European, 0.012%; no homozygotes.

Submissions (8):

PreventionGenetics, part of Exact Sciences
Classification: Likely benign for PRKAG2-related condition. Last evaluated: 2026-07-30. Review status: criteria provided, single submitter. Criteria: ACMG Guidelines, 2015. Collection method: clinical testing. Allele origin: germline.
Comment: This variant is classified as likely benign based on ACMG/AMP sequence variant interpretation guidelines (Richards et al. 2015 PMID: 25741868, with internal and published modifications).

Labcorp Genetics (formerly Invitae), Labcorp
Classification: Likely benign for Lethal congenital glycogen storage disease of heart. Last evaluated: 2025-10-04. Review status: criteria provided, single submitter. Criteria: Invitae Variant Classification Sherloc (09022015). Collection method: clinical testing. Allele origin: germline.

Blueprint Genetics
Classification: Likely benign. Last evaluated: 2024-07-10. Review status: criteria provided, single submitter. Criteria: ACMG Guidelines, 2015. Collection method: clinical testing. Allele origin: germline.

All of Us Research Program, National Institutes of Health
Classification: Likely benign for Hypertrophic cardiomyopathy. Last evaluated: 2024-02-05. Review status: criteria provided, single submitter. Criteria: ACMG Guidelines, 2015. Collection method: clinical testing. Allele origin: germline. Inheritance: Autosomal dominant inheritance. Observed: 14 variant alleles, 14 heterozygotes.
Comment: This study involves interpretation of variants in research participants for the purpose of population health screening. Participant phenotype was not available at the time of variant classification. Additional details can be found in publication PMID: 35346344, PMCID: PMC8962531

Ambry Genetics
Classification: Likely benign for Cardiovascular phenotype. Last evaluated: 2022-11-19. Review status: criteria provided, single submitter. Criteria: Ambry Variant Classification Scheme 2023. Collection method: clinical testing. Allele origin: germline.

Color Diagnostics, LLC DBA Color Health
Classification: Likely benign for Cardiomyopathy. Last evaluated: 2018-10-15. Review status: criteria provided, single submitter. Criteria: ACMG Guidelines, 2015. Collection method: clinical testing. Allele origin: germline.

GeneDx
Classification: Likely benign. Last evaluated: 2017-12-19. Review status: criteria provided, single submitter. Criteria: GeneDx Variant Classification (06012015). Collection method: clinical testing. Allele origin: germline. Affected: yes.
Comment: This variant is considered likely benign or benign based on one or more of the following criteria: it is a conservative change, it occurs at a poorly conserved position in the protein, it is predicted to be benign by multiple in silico algorithms, and/or has population frequency not consistent with disease.

Laboratory for Molecular Medicine, Mass General Brigham Personalized Medicine
Classification: Likely benign. Last evaluated: 2015-06-26. Review status: criteria provided, single submitter. Criteria: LMM Criteria. Collection method: clinical testing. Allele origin: germline. Observed: 1 variant allele.
Comment: p.Glu484Glu in exon 14 of PRKAG2: This variant is not expected to have clinical significance because it does not alter an amino acid residue. It has been identi fied in 5/6614 Finnish chromosomes by the Exome Aggregation Consortium (ExAC; dbSNP rs768299371).

NM_016203.4(PRKAG2):c.1452G>A (p.Glu484=)

Gene: PRKAG2 (protein kinase AMP-activated non-catalytic subunit gamma 2; minus strand). Cytogenetic location: 7q36.1.
Variant type: single nucleotide variant.
Coding change: c.1452G>A on transcript NM_016203.4 (MANE Select); coding-DNA position 1452, G replaced by A.
Protein change: p.Glu484=; no amino-acid change (glutamic acid 484 retained).
Molecular consequence: synonymous variant.
Genome position (GRCh38, 1-based): chr7:151,564,210, C>T on the plus strand (G>A on the coding strand, the complement: PRKAG2 is on the minus strand). VCF-style: chr7-151564210-C-T. GRCh37 (hg19) VCF-style: chr7-151261296-C-T.
Other names: c.1320G>A, p.Glu440= (NM_001040633.2); c.1077G>A, p.Glu359= (NM_001304527.2); c.729G>A, p.Glu243= (NM_001304531.2, NM_024429.2); c.1080G>A, p.Glu360= (NM_001363698.2).
Identifiers: ClinVar variation 227877 (VCV000227877.22), dbSNP rs768299371, ClinGen allele CA055206.
Genomic context (GRCh38, chr7:151,564,210, plus strand): 5'-ATACTGTGAACGGTGCTGAAGGGCCTGGGTCACCGTGATATCTAGGTTATTGTATGTTTT[C>T]TCAGCAGCAAGATTCTGTAATGAAGCAAGAGAATAAATTATATCCTTTCATTTCAGTTCA-3'
Protein context (NP_057287.2, residues 474-494): SKFDVINLAA[Glu484=]KTYNNLDITV